The following is an entry in ClinVar:

NM_003477.3(PDHX):c.47A>C (p.Tyr16Ser)

Genes: PDHX (pyruvate dehydrogenase complex component X; plus strand), LOC130005549 (ATAC-STARR-seq lymphoblastoid active region 4608; plus strand). Cytogenetic location: 11p13.
Variant type: single nucleotide variant.
Coding change: c.47A>C on transcript NM_003477.3 (MANE Select); coding-DNA position 47, A replaced by C.
Protein change: p.Tyr16Ser; replaces tyrosine 16 with serine.
Molecular consequence: missense variant. On other transcripts: intron variant (1).
Genome position (GRCh38, 1-based): chr11:34,916,702, A>C. VCF-style: chr11-34916702-A-C. GRCh37 (hg19) VCF-style: chr11-34938249-A-C.
Other names: p.Tyr16Ser; c.47A>C, p.Tyr16Ser (NM_001166158.2); c.-21+216A>C (NM_001135024.2); short protein forms Y16S.
Identifiers: ClinVar variation 304461 (VCV000304461.60), dbSNP rs118136428, ClinGen allele CA5945720.

ClinVar aggregate classification (germline): Conflicting classifications of pathogenicity. Review status: criteria provided, conflicting classifications (1 of 4 stars). 7 submissions from 7 submitters: Uncertain significance (1); Benign (2); Likely benign (3). 1 of the submissions does not count toward it. Last evaluated 2026-01-19.

Conditions:
PDHX-related disorder. Also called: PDHX-related condition.
Pyruvate dehydrogenase E3-binding protein deficiency (PDHXD). Also called: LACTIC ACIDEMIA DUE TO DEFECT IN LIPOYL-CONTAINING COMPONENT X OF THE PYRUVATE DEHYDROGENASE COMPLEX; Lacticacidemia due to PDX1 deficiency; PYRUVATE HYDROGENASE E3-BINDING PROTEIN DEFICIENCY; E3-Binding Protein (Component X) Deficiency. Identifiers: Orphanet 255182, MedGen C1855553, MONDO:0009503, OMIM 245349.

Allele frequency attached by ClinVar (database versions not stated): gnomAD 0.00131 and 0.00158; ESP Exome Variant Server 0.00015; TOPMed 0.00078; gnomAD exomes 0.00197; ExAC 0.00217; 1000 Genomes Project 30x 0.00281; 1000 Genomes Project 0.00300.
gnomAD v4.1: 1,917 of 1,612,880 alleles (0.12%); highest among the groups gnomAD compares: East Asian, 1.7%; 14 homozygotes.

Submissions (7):

Labcorp Genetics (formerly Invitae), Labcorp
Classification: Benign. Last evaluated: 2026-01-19. Review status: criteria provided, single submitter. Criteria: Invitae Variant Classification Sherloc (09022015). Collection method: clinical testing. Allele origin: germline.

Blueprint Genetics
Classification: Likely benign. Last evaluated: 2024-11-05. Review status: criteria provided, single submitter. Criteria: ACMG Guidelines, 2015. Collection method: clinical testing. Allele origin: germline.

Mayo Clinic Laboratories, Mayo Clinic
Classification: Benign. Last evaluated: 2024-09-30. Review status: criteria provided, single submitter. Criteria: ACMG Guidelines, 2015. Collection method: clinical testing. Allele origin: germline. Observed: 2 variant alleles.
Comment: BS1, BS2, BP4

GeneDx
Classification: Likely benign. Last evaluated: 2020-03-02. Review status: criteria provided, single submitter. Criteria: GeneDx Variant Classification Process June 2021. Collection method: clinical testing. Allele origin: germline. Affected: yes.

Illumina Laboratory Services, Illumina
Classification: Likely benign for Pyruvate dehydrogenase E3-binding protein deficiency. Last evaluated: 2018-01-12. Review status: criteria provided, single submitter. Criteria: ICSL Variant Classification Criteria 13 December 2019. Collection method: clinical testing. Allele origin: germline.
Comment: This variant was observed in the ICSL laboratory as part of a predisposition screen in an ostensibly healthy population. It had not been previously curated by ICSL or reported in the Human Gene Mutation Database (HGMD: prior to June 1st, 2018), and was therefore a candidate for classification through an automated scoring system. Utilizing variant allele frequency, disease prevalence and penetrance estimates, and inheritance mode, an automated score was calculated to assess if this variant is too frequent to cause the disease. Based on the score and internal cut-off values, a variant classified as likely benign is not then subjected to further curation. The score for this variant resulted in a classification of likely benign for this disease.

CeGaT Center for Human Genetics Tuebingen
Classification: Uncertain significance. Last evaluated: 2016-06-01. Review status: criteria provided, single submitter. Criteria: CeGaT Center For Human Genetics Tuebingen Variant Classification Criteria Version 2. Collection method: clinical testing. Allele origin: germline. Affected: yes. Observed: 2 variant alleles.

PreventionGenetics, part of Exact Sciences
Classification: Benign for PDHX-related condition. Last evaluated: 2019-02-18. Review status: no assertion criteria provided. Collection method: clinical testing. Allele origin: germline. Not counted in ClinVar's aggregate classification.
Comment: This variant is classified as benign based on ACMG/AMP sequence variant interpretation guidelines (Richards et al. 2015 PMID: 25741868, with internal and published modifications).